The following is an entry in ClinVar:

NM_006030.4(CACNA2D2):c.3315C>T (p.Arg1105=)

Genes: CACNA2D2 (calcium voltage-gated channel auxiliary subunit alpha2delta 2; minus strand), LOC127898564 (CYB561D2-LOC101928965; plus strand). Cytogenetic location: 3p21.31.
Variant type: single nucleotide variant.
Coding change: c.3315C>T on transcript NM_006030.4 (MANE Select); coding-DNA position 3315, C replaced by T.
Protein change: p.Arg1105=; no amino-acid change (arginine 1105 retained).
Molecular consequence: synonymous variant.
Genome position (GRCh38, 1-based): chr3:50,364,783, G>A on the plus strand (C>T on the coding strand, the complement: CACNA2D2 is on the minus strand). VCF-style: chr3-50364783-G-A. GRCh37 (hg19) VCF-style: chr3-50402214-G-A.
Other names: c.3321C>T, p.Arg1107= (NM_001005505.3); c.3336C>T, p.Arg1112= (NM_001174051.3); c.3114C>T, p.Arg1038= (NM_001291101.1).
Identifiers: ClinVar variation 416548 (VCV000416548.26), dbSNP rs186468159, ClinGen allele CA2418103.

ClinVar aggregate classification (germline): Likely benign. Review status: criteria provided, multiple submitters, no conflicts (2 of 4 stars). 3 submissions from 3 submitters: Likely benign (3). Last evaluated 2026-05-01.

Conditions:
Early-infantile DEE. Also called: Early infantile epileptic encephalopathy with suppression bursts; Early infantile epileptic encephalopathy; Ohtahara syndrome. Identifiers: Orphanet 1934, MedGen C0393706, MONDO:0800491.

Allele frequency attached by ClinVar (database versions not stated): gnomAD 0.00010 and 0.00013; gnomAD exomes 0.00010 and 0.00019; TOPMed 0.00015; ESP Exome Variant Server 0.00023; ExAC 0.00033; 1000 Genomes Project 30x 0.00062; 1000 Genomes Project 0.00080.
gnomAD v4.1: 161 of 1,600,886 alleles (0.01%); highest among the groups gnomAD compares: South Asian, 0.035%; no homozygotes.

Submissions (3):

CeGaT Center for Human Genetics Tuebingen
Classification: Likely benign. Last evaluated: 2026-05-01. Review status: criteria provided, single submitter. Criteria: CeGaT Center For Human Genetics Tuebingen Variant Classification Criteria Version 2. Collection method: clinical testing. Allele origin: germline. Affected: yes. Observed: 2 variant alleles.
Comment: CACNA2D2: BP4, BP7

Labcorp Genetics (formerly Invitae), Labcorp
Classification: Likely benign for Early-infantile DEE. Last evaluated: 2025-12-28. Review status: criteria provided, single submitter. Criteria: Invitae Variant Classification Sherloc (09022015). Collection method: clinical testing. Allele origin: germline.

Blueprint Genetics
Classification: Likely benign. Last evaluated: 2024-09-18. Review status: criteria provided, single submitter. Criteria: ACMG Guidelines, 2015. Collection method: clinical testing. Allele origin: germline.